The following is an entry in ClinVar:

ClinVar aggregate classification (germline): Uncertain significance (1 of 4 stars; one submission).

Submission:

Labcorp Genetics (formerly Invitae), Labcorp
Classification: Uncertain significance. Last evaluated: 2023-08-29. Review status: criteria provided, single submitter. Criteria: Invitae Variant Classification Sherloc (09022015). Collection method: clinical testing. Allele origin: germline.
Comment: In summary, the available evidence is currently insufficient to determine the role of this variant in disease. Therefore, it has been classified as a Variant of Uncertain Significance. An algorithm developed to predict the effect of missense changes on protein structure and function (PolyPhen-2) suggests that this variant is likely to be tolerated. This variant has not been reported in the literature in individuals affected with KCNH1-related conditions. This variant is not present in population databases (gnomAD no frequency). This sequence change replaces arginine, which is basic and polar, with serine, which is neutral and polar, at codon 104 of the KCNH1 protein (p.Arg104Ser).

NM_172362.3(KCNH1):c.312G>C (p.Arg104Ser)

Gene: KCNH1 (potassium voltage-gated channel subfamily H member 1; minus strand). Cytogenetic location: 1q32.2.
Variant type: single nucleotide variant.
Coding change: c.312G>C on transcript NM_172362.3 (MANE Select); coding-DNA position 312, G replaced by C.
Protein change: p.Arg104Ser; replaces arginine 104 with serine.
Molecular consequence: missense variant.
Genome position (GRCh38, 1-based): chr1:211,090,689, C>G on the plus strand (G>C on the coding strand, the complement: KCNH1 is on the minus strand). VCF-style: chr1-211090689-C-G. GRCh37 (hg19) VCF-style: chr1-211264031-C-G.
Other names: c.312G>C, p.Arg104Ser (NM_002238.4); short protein forms R104S.
Identifiers: ClinVar variation 2756324 (VCV002756324.3), dbSNP rs2526802427, ClinGen allele CA344875492.